The following is an entry in ClinVar:

ClinVar aggregate classification (germline): Uncertain significance (0 of 4 stars; one submission).

Conditions:
UCP3-related disorder. Also called: UCP3-related condition.

gnomAD v4.1: 7 of 1,613,910 alleles (0.00043%); highest among the groups gnomAD compares: African/African-American, 0.004%; no homozygotes.

Submission:

PreventionGenetics, part of Exact Sciences
Classification: Uncertain significance for UCP3-related condition. Last evaluated: 2024-07-17. Review status: no assertion criteria provided. Collection method: clinical testing. Allele origin: germline.
Comment: The UCP3 c.583G>T variant is predicted to result in the amino acid substitution p.Ala195Ser. To our knowledge, this variant has not been reported in the literature. This variant is reported in 0.0080% of alleles in individuals of African descent in gnomAD. At this time, the clinical significance of this variant is uncertain due to the absence of conclusive functional and genetic evidence.

NM_003356.4(UCP3):c.583G>T (p.Ala195Ser)

Genes: UCP3 (uncoupling protein 3; minus strand), LOC126861261 (MED14-independent group 3 enhancer GRCh37_chr11:73715060-73716259; plus strand). Cytogenetic location: 11q13.4.
Variant type: single nucleotide variant.
Coding change: c.583G>T on transcript NM_003356.4 (MANE Select); coding-DNA position 583, G replaced by T.
Protein change: p.Ala195Ser; replaces alanine 195 with serine.
Molecular consequence: missense variant.
Genome position (GRCh38, 1-based): chr11:74,004,544, C>A on the plus strand (G>T on the coding strand, the complement: UCP3 is on the minus strand). VCF-style: chr11-74004544-C-A. GRCh37 (hg19) VCF-style: chr11-73715589-C-A.
Other names: c.583G>T, p.Ala195Ser (NM_022803.3); short protein forms A195S.
Identifiers: ClinVar variation 3352858 (VCV003352858.1).